The following is an entry in ClinVar:

ClinVar aggregate classification (germline): Conflicting classifications of pathogenicity. Review status: criteria provided, conflicting classifications (1 of 4 stars). 9 submissions from 9 submitters: Uncertain significance (2); Likely benign (7). Last evaluated 2026-01-28.

Conditions:
TSC2-related disorder. Also called: TSC2-Related Disorders; TSC2-related condition.
Hereditary cancer-predisposing syndrome. Also called: Hereditary Cancer Syndrome; Neoplastic Syndromes, Hereditary; Tumor predisposition; Hereditary neoplastic syndrome. Identifiers: Orphanet 140162, MedGen C0027672, MeSH D009386, MONDO:0015356.
Tuberous sclerosis syndrome (TSC). Also called: Tuberous sclerosis; Tuberous Sclerosis Complex. Identifiers: Orphanet 805, MedGen C0041341, MONDO:0001734.
Tuberous sclerosis 2 (TSC2). Identifiers: Orphanet 805, MedGen C1860707, MONDO:0013199, OMIM 613254.

Allele frequency attached by ClinVar (database versions not stated): gnomAD 0.00001; ExAC 0.00002; TOPMed 0.00003; gnomAD exomes 0.00005.
gnomAD v4.1: 18 of 1,614,040 alleles (0.0011%); highest among the groups gnomAD compares: Admixed American, 0.028%; no homozygotes.

Submissions (9):

Labcorp Genetics (formerly Invitae), Labcorp
Classification: Likely benign for Tuberous sclerosis 2. Last evaluated: 2026-01-28. Review status: criteria provided, single submitter. Criteria: Invitae Variant Classification Sherloc (09022015). Collection method: clinical testing. Allele origin: germline.

PreventionGenetics, part of Exact Sciences
Classification: Likely benign for TSC2-related condition. Last evaluated: 2025-02-19. Review status: criteria provided, single submitter. Criteria: ACMG Guidelines, 2015. Collection method: clinical testing. Allele origin: germline.
Comment: This variant is classified as likely benign based on ACMG/AMP sequence variant interpretation guidelines (Richards et al. 2015 PMID: 25741868, with internal and published modifications).

Quest Diagnostics Nichols Institute San Juan Capistrano
Classification: Likely benign. Last evaluated: 2025-01-08. Review status: criteria provided, single submitter. Criteria: Quest Diagnostics criteria. Collection method: clinical testing. Allele origin: unknown.

Women's Health and Genetics/Laboratory Corporation of America, LabCorp
Classification: Likely benign. Last evaluated: 2024-09-11. Review status: criteria provided, single submitter. Criteria: LabCorp Variant Classification Summary - May 2015. Collection method: clinical testing. Allele origin: germline.
Comment: Variant summary: TSC2 c.362C>G (p.Ala121Gly) results in a non-conservative amino acid change located in the N-terminal domain (IPR024584) of the encoded protein sequence. Four of five in-silico tools predict a damaging effect of the variant on protein function. The variant allele was found at a frequency of 5.2e-05 in 251468 control chromosomes, predominantly at a frequency of 0.00038 within the Latino subpopulation in the gnomAD database. The observed variant frequency within Latino control individuals in the gnomAD database is approximately 5.5-fold of the estimated maximal expected allele frequency for a pathogenic variant in TSC2 causing Tuberous Sclerosis Complex phenotype (6.9e-05). To our knowledge, no occurrence of c.362C>G in individuals affected with Tuberous Sclerosis Complex and no experimental evidence demonstrating its impact on protein function have been reported. ClinVar contains an entry for this variant (Variation ID: 207766). Based on the evidence outlined above, the variant was classified as likely benign.

Color Diagnostics, LLC DBA Color Health
Classification: Uncertain significance for Tuberous sclerosis syndrome. Last evaluated: 2024-03-06. Review status: criteria provided, single submitter. Criteria: ACMG Guidelines, 2015. Collection method: clinical testing. Allele origin: germline.
Comment: This missense variant replaces alanine with glycine at codon 121 of the TSC2 protein. Computational prediction is inconclusive regarding the impact of this variant on protein structure and function. To our knowledge, functional studies have not been reported for this variant. This variant has not been reported in individuals affected with TSC2-related disorders in the literature. This variant has been identified in 13/251468 chromosomes in the general population by the Genome Aggregation Database (gnomAD). The available evidence is insufficient to determine the role of this variant in disease conclusively. Therefore, this variant is classified as a Variant of Uncertain Significance.

All of Us Research Program, National Institutes of Health
Classification: Uncertain significance for Tuberous sclerosis syndrome. Last evaluated: 2023-11-30. Review status: criteria provided, single submitter. Criteria: ACMG Guidelines, 2015. Collection method: clinical testing. Allele origin: germline. Inheritance: Autosomal dominant inheritance. Observed: 6 variant alleles, 6 heterozygotes.
Comment: This missense variant replaces alanine with glycine at codon 121 of the TSC2 protein. Computational prediction is inconclusive regarding the impact of this variant on protein structure and function (internally defined REVEL score threshold 0.5 < inconclusive < 0.7, PMID: 27666373). To our knowledge, functional studies have not been reported for this variant. This variant has not been reported in individuals affected with tuberous sclerosis complex in the literature. This variant has been identified in 13/251468 chromosomes in the general population by the Genome Aggregation Database (gnomAD). The available evidence is insufficient to determine the role of this variant in disease conclusively. Therefore, this variant is classified as a Variant of Uncertain Significance.

This study involves interpretation of variants in research participants for the purpose of population health screening. Participant phenotype was not available at the time of variant classification. Additional details can be found in publication PMID: 35346344, PMCID: PMC8962531

Sema4
Classification: Likely benign for Hereditary cancer-predisposing syndrome. Last evaluated: 2022-02-10. Review status: criteria provided, single submitter. Criteria: Sema4 Curation Guidelines. Collection method: curation. Allele origin: germline.

Genome-Nilou Lab
Classification: Likely benign for Tuberous sclerosis 2. Last evaluated: 2021-11-07. Review status: criteria provided, single submitter. Criteria: ACMG Guidelines, 2015. Collection method: clinical testing. Allele origin: germline. Affected: no.

Ambry Genetics
Classification: Likely benign for Hereditary cancer-predisposing syndrome. Last evaluated: 2021-02-06. Review status: criteria provided, single submitter. Criteria: Ambry Variant Classification Scheme 2023. Collection method: clinical testing. Allele origin: germline.

NM_000548.5(TSC2):c.362C>G (p.Ala121Gly)

Gene: TSC2 (TSC complex subunit 2; plus strand). Cytogenetic location: 16p13.3.
Variant type: single nucleotide variant.
Coding change: c.362C>G on transcript NM_000548.5 (MANE Select); coding-DNA position 362, C replaced by G.
Protein change: p.Ala121Gly; replaces alanine 121 with glycine.
Molecular consequence: missense variant. On other transcripts: intron variant (1).
Genome position (GRCh38, 1-based): chr16:2,054,321, C>G. VCF-style: chr16-2054321-C-G. GRCh37 (hg19) VCF-style: chr16-2104322-C-G.
Other names: c.362C>G (NM_000548.4); c.362C>G, p.Ala121Gly (NM_001077183.3, NM_001114382.3, NM_001363528.2 and 3 more transcripts); c.251C>G, p.Ala84Gly (NM_001318827.2); c.215C>G, p.Ala72Gly (NM_001318829.2); c.395C>G, p.Ala132Gly (NM_001318832.2); c.-1-1875C>G (NM_001318831.2); short protein forms A121G, A132G, A72G, A84G.
Identifiers: ClinVar variation 207766 (VCV000207766.25), dbSNP rs767755750, ClinGen allele CA047888.